The following is an entry in ClinVar:

ClinVar aggregate classification (germline): Conflicting classifications of pathogenicity. Review status: criteria provided, conflicting classifications (1 of 4 stars). 2 submissions from 2 submitters: Uncertain significance (1); Likely benign (1). Last evaluated 2025-11-21.

Conditions:
Heterotopia, periventricular, X-linked dominant (PVNH1). Also called: PERIVENTRICULAR NODULAR HETEROTOPIA 1; X-linked periventricular heterotopia; PERIVENTRICULAR NODULAR HETEROTOPIA 4; HETEROTOPIA, PERIVENTRICULAR, 1. Identifiers: Orphanet 2149, Orphanet 82004, MedGen C1848213, MONDO:0010233, OMIM 300049.
Melnick-Needles syndrome (MNS). Also called: MELNICK-NEEDLES OSTEODYSPLASTY; OSTEODYSPLASTY OF MELNICK AND NEEDLES; Melnick-Needles Syndrome (FLNA-MNS). Identifiers: Orphanet 2484, MedGen C0025237, MONDO:0010650, OMIM 309350.
Frontometaphyseal dysplasia (FMD1). Identifiers: Orphanet 1826, MedGen C0265293, MONDO:0015942.
Oto-palato-digital syndrome, type II (OPD2). Also called: OPD II SYNDROME; FACIOPALATOOSSEOUS SYNDROME; Otopalatodigital Syndrome Type 2 (FLNA-OPD2); Otopalatodigital Syndrome, Type II. Identifiers: Orphanet 669, Orphanet 90652, MedGen C1844696, MONDO:0010571, OMIM 304120.

Allele frequency attached by ClinVar (database versions not stated): TOPMed 0.00001; gnomAD 0.00002; gnomAD exomes 0.00002.
gnomAD v4.1: 25 of 1,209,450 alleles (0.0021%); highest among the groups gnomAD compares: Non-Finnish European, 0.0028%; no homozygotes.

Submissions (2):

Labcorp Genetics (formerly Invitae), Labcorp
Classification: Likely benign for Oto-palato-digital syndrome, type II; Heterotopia, periventricular, X-linked dominant; Frontometaphyseal dysplasia; Melnick-Needles syndrome. Last evaluated: 2025-11-21. Review status: criteria provided, single submitter. Criteria: Invitae Variant Classification Sherloc (09022015). Collection method: clinical testing. Allele origin: germline.

Mayo Clinic Laboratories, Mayo Clinic
Classification: Uncertain significance. Last evaluated: 2025-10-30. Review status: criteria provided, single submitter. Criteria: ACMG Guidelines, 2015. Collection method: clinical testing. Allele origin: germline. Observed: 1 variant allele.
Comment: PP2, PM2_supporting

NM_001110556.2(FLNA):c.7108A>G (p.Ser2370Gly)

Gene: FLNA (filamin A; minus strand). Cytogenetic location: Xq28.
Variant type: single nucleotide variant.
Coding change: c.7108A>G on transcript NM_001110556.2 (MANE Select); coding-DNA position 7108, A replaced by G.
Protein change: p.Ser2370Gly; replaces serine 2370 with glycine.
Molecular consequence: missense variant.
Genome position (GRCh38, 1-based): chrX:154,350,957, T>C on the plus strand (A>G on the coding strand, the complement: FLNA is on the minus strand). VCF-style: chrX-154350957-T-C. GRCh37 (hg19) VCF-style: chrX-153579325-T-C.
Other names: p.Ser2362Gly; c.7084A>G (NM_001456.3); c.7084A>G, p.Ser2362Gly (NM_001456.4); short protein forms S2362G, S2370G.
Identifiers: ClinVar variation 1051078 (VCV001051078.10), dbSNP rs1557175616, ClinGen allele CA415184975.